The following is an entry in ClinVar:

NM_017852.5(NLRP2):c.662C>T (p.Thr221Met)

Gene: NLRP2 (NLR family pyrin domain containing 2; plus strand). Cytogenetic location: 19q13.42.
Variant type: single nucleotide variant.
Coding change: c.662C>T on transcript NM_017852.5 (MANE Select); coding-DNA position 662, C replaced by T.
Protein change: p.Thr221Met; replaces threonine 221 with methionine.
Molecular consequence: missense variant. On other transcripts: non-coding transcript variant (1).
Genome position (GRCh38, 1-based): chr19:54,982,360, C>T. VCF-style: chr19-54982360-C-T. GRCh37 (hg19) VCF-style: chr19-55493728-C-T.
Other names: c.662C>T, p.Thr221Met (NM_001174081.3); c.596C>T, p.Thr199Met (NM_001174082.3); c.593C>T, p.Thr198Met (NM_001174083.2); c.653C>T, p.Thr218Met (NM_001348003.2); c.662C>T (NM_001174081.2); short protein forms T198M, T199M, T218M, T221M.
Identifiers: ClinVar variation 1246079 (VCV001246079.5), dbSNP rs17699678, ClinGen allele CA310102824.

ClinVar aggregate classification (germline): Benign. Review status: criteria provided, multiple submitters, no conflicts (2 of 4 stars). 3 submissions from 3 submitters: Benign (2). 1 of the submissions does not count toward it. Last evaluated 2020-02-18.

Conditions:
NLRP2-related disorder. Also called: NLRP2-related condition.

Allele frequency attached by ClinVar (database versions not stated): 1000 Genomes Project 30x 0.05059; 1000 Genomes Project 0.05152; ESP Exome Variant Server 0.07773.
gnomAD v4.1: 160,980 of 1,613,984 alleles (10%); highest among the groups gnomAD compares: Non-Finnish European, 11%; 8,812 homozygotes.

Submissions (3):

GeneDx
Classification: Benign. Last evaluated: 2020-02-18. Review status: criteria provided, single submitter. Criteria: GeneDx Variant Classification Process June 2021. Collection method: clinical testing. Allele origin: germline. Affected: yes.
Comment: This variant is associated with the following publications: (PMID: 30877238)

Breakthrough Genomics
Classification: Benign. Review status: criteria provided, single submitter. Criteria: ACMG Guidelines, 2015. Collection method: not provided. Allele origin: germline. Inheritance: Unknown mechanism. Affected: yes.

PreventionGenetics, part of Exact Sciences
Classification: Benign for NLRP2-related condition. Last evaluated: 2019-12-09. Review status: no assertion criteria provided. Collection method: clinical testing. Allele origin: germline. Not counted in ClinVar's aggregate classification.
Comment: This variant is classified as benign based on ACMG/AMP sequence variant interpretation guidelines (Richards et al. 2015 PMID: 25741868, with internal and published modifications).